The following is an entry in ClinVar:

NM_022168.4(IFIH1):c.77T>A (p.Ile26Asn)

Gene: IFIH1 (interferon induced with helicase C domain 1; minus strand). Cytogenetic location: 2q24.2.
Variant type: single nucleotide variant.
Coding change: c.77T>A on transcript NM_022168.4 (MANE Select); coding-DNA position 77, T replaced by A.
Protein change: p.Ile26Asn; replaces isoleucine 26 with asparagine.
Molecular consequence: missense variant.
Genome position (GRCh38, 1-based): chr2:162,318,231, A>T on the plus strand (T>A on the coding strand, the complement: IFIH1 is on the minus strand). VCF-style: chr2-162318231-A-T. GRCh37 (hg19) VCF-style: chr2-163174741-A-T.
Other names: c.77T>A, p.Ile26Asn (LRG_1235t1); short protein forms I26N.
Identifiers: ClinVar variation 452793 (VCV000452793.12), dbSNP rs1442046271, ClinGen allele CA349014599.
Genomic context (GRCh38, chr2:162,318,231, plus strand): 5'-ATCTGCTCCTTCACCTCTGCAGGCAGAAAGGTCAGGTAGTCCAGCACAGGCTCCACCTGG[A>T]TGTACATTTTCACCCTGGCCCTGAAGCACGAGATGAGATAGCGGAAATTCTCGTCTGTGG-3'
Protein context (NP_071451.2, residues 16-36): SCFRARVKMY[Ile26Asn]QVEPVLDYLT

ClinVar aggregate classification (germline): Uncertain significance. Review status: criteria provided, multiple submitters, no conflicts (2 of 4 stars). 4 submissions from 4 submitters: Uncertain significance (4). Last evaluated 2023-06-23.

Conditions:
Singleton-Merten syndrome 1 (SGMRT1). Also called: Widened medullary cavities of bone, aortic calcification, abnormal dentition, and muscular weakness; Syndrome of widened medullary cavities of the metacarpals and phalanges, aortic calcification and abnormal dentition. Identifiers: Orphanet 85191, MedGen C4225427, MONDO:0024535, OMIM 182250.
Aicardi-Goutieres syndrome 7 (AGS7). Identifiers: Orphanet 51, MedGen C3888244, MONDO:0014367, OMIM 615846.

Allele frequency attached by ClinVar (database versions not stated): gnomAD 0.00001; TOPMed 0.00002; gnomAD exomes 0.00006.
gnomAD v4.1: 88 of 1,614,008 alleles (0.0055%); highest among the groups gnomAD compares: Non-Finnish European, 0.0072%; no homozygotes.

Submissions (4):

Labcorp Genetics (formerly Invitae), Labcorp
Classification: Uncertain significance for Aicardi-Goutieres syndrome 7; Singleton-Merten syndrome 1. Last evaluated: 2023-06-23. Review status: criteria provided, single submitter. Criteria: Invitae Variant Classification Sherloc (09022015). Collection method: clinical testing. Allele origin: germline.
Comment: In summary, the available evidence is currently insufficient to determine the role of this variant in disease. Therefore, it has been classified as a Variant of Uncertain Significance. Advanced modeling of protein sequence and biophysical properties (such as structural, functional, and spatial information, amino acid conservation, physicochemical variation, residue mobility, and thermodynamic stability) has been performed at Invitae for this missense variant, however the output from this modeling did not meet the statistical confidence thresholds required to predict the impact of this variant on IFIH1 protein function. ClinVar contains an entry for this variant (Variation ID: 452793). This variant has not been reported in the literature in individuals affected with IFIH1-related conditions. This variant is not present in population databases (gnomAD no frequency). This sequence change replaces isoleucine, which is neutral and non-polar, with asparagine, which is neutral and polar, at codon 26 of the IFIH1 protein (p.Ile26Asn).

Women's Health and Genetics/Laboratory Corporation of America, LabCorp
Classification: Uncertain significance. Last evaluated: 2023-03-24. Review status: criteria provided, single submitter. Criteria: LabCorp Variant Classification Summary - May 2015. Collection method: clinical testing. Allele origin: germline.
Comment: Variant summary: IFIH1 c.77T>A (p.Ile26Asn) results in a non-conservative amino acid change located in the caspase recruitment domain (IPR031964) of the encoded protein sequence. Four of five in-silico tools predict a damaging effect of the variant on protein function. The variant was absent in 251404 control chromosomes (gnomAD). The available data on variant occurrences in the general population are insufficient to allow any conclusion about variant significance. To our knowledge, no occurrence of c.77T>A in individuals affected with Aicardi-Goutieres Syndrome 7 and no experimental evidence demonstrating its impact on protein function have been reported. Three clinical diagnostic laboratories have submitted clinical-significance assessments for this variant to ClinVar after 2014 and all classified the variant as uncertain significance. Based on the evidence outlined above, the variant was classified as uncertain significance.

Illumina Laboratory Services, Illumina
Classification: Uncertain significance for Aicardi-Goutieres syndrome 7. Last evaluated: 2020-03-09. Review status: criteria provided, single submitter. Criteria: ICSLVariantClassificationCriteria RUGD 01 April 2020. Collection method: clinical testing. Allele origin: unknown.
Comment: The IFIH1 c.77T>A (p.Ile26Asn) variant is a missense variant, which resides in the CARD1 domain of IFIH1 (Rice et al. 2014). A literature search was performed for the gene, cDNA change, and amino acid change. No publications were found based on this search. This variant is not found in the Genome Aggregation Database in a region of good sequence coverage so the variant is presumed to be rare. Based on the limited evidence, the p.Ile26Asn variant is classified as a variant of unknown significance for Aicardi-Goutieres syndrome.

GeneDx
Classification: Uncertain significance. Last evaluated: 2017-10-17. Review status: criteria provided, single submitter. Criteria: GeneDx Variant Classification (06012015). Collection method: clinical testing. Allele origin: germline. Affected: yes.
Comment: The I26N variant in the IFIH1 gene has not been reported previously as a pathogenic variant, nor as a benign variant, to our knowledge. This variant is not observed in large population cohorts (Lek et al., 2016). The I26N variant is a non-conservative amino acid substitution, which is likely to impact secondary protein structure as these residues differ in polarity, charge, size and/or other properties. This substitution occurs at a position that is conserved across species. In silico analysis predicts this variant is probably damaging to the protein structure/function. We interpret I26N as a variant of uncertain significance.

Literature cited by the submitters: PubMed 24686847 (cited by Illumina Laboratory Services, Illumina).